The following is an entry in ClinVar:

ClinVar aggregate classification (germline): Likely benign (1 of 4 stars; one submission).

gnomAD v4.1: 96 of 1,585,658 alleles (0.0061%); highest among the groups gnomAD compares: African/African-American, 0.076%; no homozygotes.

Submission:

CeGaT Center for Human Genetics Tuebingen
Classification: Likely benign. Last evaluated: 2026-01-01. Review status: criteria provided, single submitter. Criteria: CeGaT Center For Human Genetics Tuebingen Variant Classification Criteria Version 2. Collection method: clinical testing. Allele origin: germline. Affected: yes. Observed: 1 variant allele.
Comment: CPA5: BP4, BP7

NM_080385.5(CPA5):c.798C>T (p.Ile266=)

Gene: CPA5 (carboxypeptidase A5; plus strand). Cytogenetic location: 7q32.2.
Variant type: single nucleotide variant.
Coding change: c.798C>T on transcript NM_080385.5 (MANE Select); coding-DNA position 798, C replaced by T.
Protein change: p.Ile266=; no amino-acid change (isoleucine 266 retained).
Molecular consequence: synonymous variant.
Genome position (GRCh38, 1-based): chr7:130,363,469, C>T. VCF-style: chr7-130363469-C-T. GRCh37 (hg19) VCF-style: chr7-130003310-C-T.
Other names: c.798C>T, p.Ile266= (NM_001127441.2, NM_001127442.2, NM_001318223.2).
Identifiers: ClinVar variation 4821109 (VCV004821109.4).